The following is an entry in ClinVar:

ClinVar aggregate classification (germline): Pathogenic (1 of 4 stars; one submission).

Submission:

Labcorp Genetics (formerly Invitae), Labcorp
Classification: Pathogenic. Last evaluated: 2024-04-17. Review status: criteria provided, single submitter. Criteria: Invitae Variant Classification Sherloc (09022015). Collection method: clinical testing. Allele origin: germline.
Comment: This sequence change creates a premature translational stop signal (p.His365Thrfs*16) in the ABHD12 gene. While this is not anticipated to result in nonsense mediated decay, it is expected to disrupt the last 34 amino acid(s) of the ABHD12 protein. This variant is not present in population databases (gnomAD no frequency). This variant has not been reported in the literature in individuals affected with ABHD12-related conditions. ClinVar contains an entry for this variant (Variation ID: 1441956). This variant disrupts a region of the ABHD12 protein in which other variant(s) (p.Lys377*) have been determined to be pathogenic (PMID: 24027063, 34573385). This suggests that this is a clinically significant region of the protein, and that variants that disrupt it are likely to be disease-causing. For these reasons, this variant has been classified as Pathogenic.

Literature cited by the submitters: PubMed 24027063; PubMed 34573385.

NM_001042472.3(ABHD12):c.1092_1093insA (p.His365fs)

Gene: ABHD12 (abhydrolase domain containing 12, lysophospholipase; minus strand). Cytogenetic location: 20p11.21.
Variant type: Insertion.
Coding change: c.1092_1093insA on transcript NM_001042472.3 (MANE Select); coding-DNA positions 1092 to 1093, A inserted.
Protein change: p.His365fs; shifts the reading frame from histidine 365.
Molecular consequence: frameshift variant.
Genome position: GRCh38 VCF-style: chr20-25302283-G-GT. GRCh37 (hg19) VCF-style: chr20-25282919-G-GT.
Other names: c.1092_1093insA, p.His365fs (NM_015600.5); short protein forms H365fs.
Identifiers: ClinVar variation 1441956 (VCV001441956.8), dbSNP rs2145917033, ClinGen allele CA2573156954.
Genomic context (GRCh38, chr20:25,302,283, plus strand): 5'-GTATCCGTGGCAGCTCAGGGCTCTTGTAAATGTATTTGTGCCTGTAGCCAAGGTCTGAAT[G>GT]AAAGGGCACAAACTGAACTTTGAAATCTCGGAAGCTTCGAGCTGGTGCGGCGATGCTATA-3'